The following is an entry in ClinVar:

NM_000384.3(APOB):c.11479C>G (p.Leu3827Val)

Gene: APOB (apolipoprotein B; minus strand). Cytogenetic location: 2p24.1.
Variant type: single nucleotide variant.
Coding change: c.11479C>G on transcript NM_000384.3 (MANE Select); coding-DNA position 11479, C replaced by G.
Protein change: p.Leu3827Val; replaces leucine 3827 with valine.
Molecular consequence: missense variant.
Genome position (GRCh38, 1-based): chr2:21,005,389, G>C on the plus strand (C>G on the coding strand, the complement: APOB is on the minus strand). VCF-style: chr2-21005389-G-C. GRCh37 (hg19) VCF-style: chr2-21228261-G-C.
Other names: short protein forms L3827V.
Identifiers: ClinVar variation 4613717 (VCV004613717.2).

ClinVar aggregate classification (germline): Uncertain significance (1 of 4 stars; one submission).

Conditions:
Cardiovascular phenotype. Identifiers: MedGen CN230736.

Submission:

Ambry Genetics
Classification: Uncertain significance for Cardiovascular phenotype. Last evaluated: 2026-09-11. Review status: criteria provided, single submitter. Criteria: Ambry Variant Classification Scheme 2023. Collection method: clinical testing. Allele origin: germline.
Comment: The p.L3827V variant (also known as c.11479C>G), located in coding exon 26 of the APOB gene, results from a C to G substitution at nucleotide position 11479. The leucine at codon 3827 is replaced by valine, an amino acid with highly similar properties. This amino acid position is conserved. In addition, this alteration is predicted to be tolerated by in silico analysis. Based on the available evidence, the clinical significance of this variant remains unclear.